The following is an entry in ClinVar:

ClinVar aggregate classification (germline): Uncertain significance (1 of 4 stars; one submission).

gnomAD v4.1: 1 of 1,613,876 alleles (0.000062%); highest among the groups gnomAD compares: Non-Finnish European, 0.000085%; no homozygotes.

Submission:

Labcorp Genetics (formerly Invitae), Labcorp
Classification: Uncertain significance. Last evaluated: 2024-11-12. Review status: criteria provided, single submitter. Criteria: Invitae Variant Classification Sherloc (09022015). Collection method: clinical testing. Allele origin: germline.
Comment: This sequence change replaces alanine, which is neutral and non-polar, with threonine, which is neutral and polar, at codon 476 of the CDK13 protein (p.Ala476Thr). This variant is not present in population databases (gnomAD no frequency). This variant has not been reported in the literature in individuals affected with CDK13-related conditions. Invitae Evidence Modeling of protein sequence and biophysical properties (such as structural, functional, and spatial information, amino acid conservation, physicochemical variation, residue mobility, and thermodynamic stability) indicates that this missense variant is not expected to disrupt CDK13 protein function with a negative predictive value of 95%. In summary, the available evidence is currently insufficient to determine the role of this variant in disease. Therefore, it has been classified as a Variant of Uncertain Significance.

NM_003718.5(CDK13):c.1426G>A (p.Ala476Thr)

Gene: CDK13 (cyclin dependent kinase 13; plus strand). Cytogenetic location: 7p14.1.
Variant type: single nucleotide variant.
Coding change: c.1426G>A on transcript NM_003718.5 (MANE Select); coding-DNA position 1426, G replaced by A.
Protein change: p.Ala476Thr; replaces alanine 476 with threonine.
Molecular consequence: missense variant.
Genome position (GRCh38, 1-based): chr7:39,987,813, G>A. VCF-style: chr7-39987813-G-A. GRCh37 (hg19) VCF-style: chr7-40027412-G-A.
Other names: c.1426G>A, p.Ala476Thr (NM_031267.4); short protein forms A476T.
Identifiers: ClinVar variation 3690277 (VCV003690277.2).
Genomic context (GRCh38, chr7:39,987,813, plus strand): 5'-AATAAAAAAGCACGAGCAGCAGAGGCAGCAAGAGCCGCAGAAGCAGCGAAAGCTGCAGAA[G>A]CAACTAAGGCTGCTGAGGCTGCTGCCAAGGCTGCAAAAGCTTCAAACACTTCTACACCTA-3'
Protein context (NP_003709.3, residues 466-486): RAAEAAKAAE[Ala476Thr]TKAAEAAAKA